The following is an entry in ClinVar:

NM_000303.3(PMM2):c.348-2A>G

Gene: PMM2 (phosphomannomutase 2; plus strand). Cytogenetic location: 16p13.2.
Variant type: single nucleotide variant.
Coding change: c.348-2A>G on transcript NM_000303.3 (MANE Select); the canonical splice acceptor site of the intron before coding-DNA position 348, A replaced by G.
Molecular consequence: splice acceptor variant.
Genome position (GRCh38, 1-based): chr16:8,811,077, A>G. VCF-style: chr16-8811077-A-G. GRCh37 (hg19) VCF-style: chr16-8904934-A-G.
Other names: c.348-2A>G (NM_000303.2).
Identifiers: ClinVar variation 2031800 (VCV002031800.9), dbSNP rs1555449603, ClinGen allele CA394696487.

ClinVar aggregate classification (germline): Pathogenic/Likely pathogenic. Review status: criteria provided, multiple submitters, no conflicts (2 of 4 stars). 4 submissions from 4 submitters: Pathogenic (1); Likely pathogenic (3). Last evaluated 2024-02-14.

Conditions:
PMM2-congenital disorder of glycosylation. Also called: CDG Ia; JAEKEN SYNDROME; PHOSPHOMANNOMUTASE 2 DEFICIENCY; CARBOHYDRATE-DEFICIENT GLYCOPROTEIN SYNDROME, TYPE Ia; Congenital disorder of glycosylation, type Ia; PMM2-CDG. Identifiers: Orphanet 79318, MedGen C0349653, MONDO:0008907, OMIM 212065.

gnomAD v4.1: 6 of 1,542,186 alleles (0.00039%); highest among the groups gnomAD compares: Non-Finnish European, 0.00044%; no homozygotes.

Submissions (4):

Baylor Genetics
Classification: Likely pathogenic for PMM2-congenital disorder of glycosylation. Last evaluated: 2024-02-14. Review status: criteria provided, single submitter. Criteria: ACMG Guidelines, 2015. Collection method: clinical testing. Allele origin: unknown.

Labcorp Genetics (formerly Invitae), Labcorp
Classification: Likely pathogenic for PMM2-congenital disorder of glycosylation. Last evaluated: 2023-12-26. Review status: criteria provided, single submitter. Criteria: Invitae Variant Classification Sherloc (09022015). Collection method: clinical testing. Allele origin: germline.
Comment: This sequence change affects an acceptor splice site in intron 4 of the PMM2 gene. It is expected to disrupt RNA splicing. Variants that disrupt the donor or acceptor splice site typically lead to a loss of protein function (PMID: 16199547), and loss-of-function variants in PMM2 are known to be pathogenic (PMID: 19862844). This variant is not present in population databases (gnomAD no frequency). This variant has not been reported in the literature in individuals affected with PMM2-related conditions. ClinVar contains an entry for this variant (Variation ID: 2031800). Algorithms developed to predict the effect of sequence changes on RNA splicing suggest that this variant may disrupt the consensus splice site. In summary, the currently available evidence indicates that the variant is pathogenic, but additional data are needed to prove that conclusively. Therefore, this variant has been classified as Likely Pathogenic.

Victorian Clinical Genetics Services, Murdoch Childrens Research Institute
Classification: Pathogenic for PMM2-congenital disorder of glycosylation. Last evaluated: 2023-12-21. Review status: criteria provided, single submitter. Criteria: ACMG Guidelines, 2015. Collection method: clinical testing. Allele origin: germline. Inheritance: Autosomal recessive inheritance. Affected: yes.
Comment: Based on the classification scheme VCGS_Germline_v1.3.4, this variant is classified as Pathogenic. Following criteria are met: 0102 - Loss of function is a known mechanism of disease in this gene and is associated with congenital disorder of glycosylation, type Ia (MIM#212065). (I) 0106 - This gene is associated with autosomal recessive disease. (I) 0115 - Variants in this gene are known to have variable expressivity. The clinical manifestations and course are highly variable, ranging from infants who pass away in the first year of life to mildly affected adults (PMID: 20301289). (I) 0211 - Canonical splice site variant without proven consequence on splicing (no functional evidence available). (SP) 0251 - This variant is heterozygous. (I) 0301 - Variant is absent from gnomAD (both v2 and v3). (SP) 0311 - An alternative nucleotide change at the same canonical splice site is present in gnomAD (v3) (1 heterozygote, 0 homozygotes). (I) 0505 - Abnormal splicing is predicted by in silico tools and affected nucleotide is highly conserved. (SP) 0703 - Other canonical splice site variants comparable to the one identified in this case have moderate previous evidence for pathogenicity. c.348-1G>C and c.348-2A>C have been classified as likely pathogenic by clinical laboratories in ClinVar. (SP) 0803 - This variant has limited previous evidence of pathogenicity in an unrelated individual. This variant has been classified as likely pathogenic by a clinical laboratory in ClinVar. (SP) 0905 - No published segregation evidence has been identified for this variant. (I) 1007 - No published functional evidence has been identified for this variant. (I) 1201 - Heterozygous variant detected in trans with a pathogenic heterozygous variant (NM_000303.2(PMM2):c.623G>C; p.(Gly208Ala)) in a recessive disease. (I) Legend: (SP) - Supporting pathogenic, (I) - Information, (SB) - Supporting benign

Juno Genomics, Hangzhou Juno Genomics, Inc
Classification: Likely pathogenic for PMM2-congenital disorder of glycosylation. Review status: criteria provided, single submitter. Criteria: ACMG Guidelines, 2015. Collection method: clinical testing. Allele origin: germline.
Comment: Null variant in a gene where loss of function (LOF) is a known mechanism of disease.;Absent from controls (or at extremely low frequency if recessive) in Genome Aggregation Database.

Literature cited by the submitters: PubMed 16199547 (cited by Labcorp Genetics (formerly Invitae), Labcorp); PubMed 19862844 (cited by Labcorp Genetics (formerly Invitae), Labcorp); PubMed 20301289 (cited by Victorian Clinical Genetics Services, Murdoch Childrens Research Institute).